The following is an entry in ClinVar:

NM_015665.6(AAAS):c.1A>G (p.Met1Val)

Genes: AAAS (aladin WD repeat nucleoporin; minus strand), LOC130007973 (ATAC-STARR-seq lymphoblastoid active region 6415; plus strand). Cytogenetic location: 12q13.13.
Variant type: single nucleotide variant.
Coding change: c.1A>G on transcript NM_015665.6 (MANE Select); coding-DNA position 1, A replaced by G.
Protein change: p.Met1Val; changes the start codon (methionine 1).
Molecular consequence: missense variant, initiator codon variant.
Genome position (GRCh38, 1-based): chr12:53,321,465, T>C on the plus strand (A>G on the coding strand, the complement: AAAS is on the minus strand). VCF-style: chr12-53321465-T-C. GRCh37 (hg19) VCF-style: chr12-53715249-T-C.
Other names: c.1A>G, p.Met1Val (NM_001173466.2); short protein forms M1V.
Identifiers: ClinVar variation 2776934 (VCV002776934.5), dbSNP rs765613977, ClinGen allele CA6599390.

ClinVar aggregate classification (germline): Pathogenic/Likely pathogenic. Review status: criteria provided, multiple submitters, no conflicts (2 of 4 stars). 2 submissions from 2 submitters: Pathogenic (1); Likely pathogenic (1). Last evaluated 2024-04-20.

Conditions:
Glucocorticoid deficiency with achalasia (AAAS). Also called: AAA syndrome; Allgrove syndrome; Addisonian achalasia syndrome; Achalasia-addisonianism-alacrimia syndrome; Achalasia-Addisonianism-Alacrima (Triple-A) Syndrome; ALACRIMA-ACHALASIA-ADRENAL INSUFFICIENCY NEUROLOGIC DISORDER. Identifiers: Orphanet 869, MedGen C0271742, MONDO:0009279, OMIM 231550.

Allele frequency attached by ClinVar (database versions not stated): ExAC 0.00001; gnomAD 0.00001; gnomAD exomes 0.00001; TOPMed 0.00002.

Submissions (2):

Fulgent Genetics
Classification: Likely pathogenic for Glucocorticoid deficiency with achalasia. Last evaluated: 2024-04-20. Review status: criteria provided, single submitter. Criteria: ACMG Guidelines, 2015. Collection method: clinical testing. Allele origin: germline.

Labcorp Genetics (formerly Invitae), Labcorp
Classification: Pathogenic. Last evaluated: 2024-01-24. Review status: criteria provided, single submitter. Criteria: Invitae Variant Classification Sherloc (09022015). Collection method: clinical testing. Allele origin: germline.
Comment: This sequence change affects the initiator methionine of the AAAS mRNA. The next in-frame methionine is located at codon 318. This variant is present in population databases (rs765613977, gnomAD 0.0009%). This variant has not been reported in the literature in individuals affected with AAAS-related conditions. Algorithms developed to predict the effect of sequence changes on RNA splicing suggest that this variant may disrupt the consensus splice site. This variant disrupts a region of the AAAS protein in which other variant(s) (p.Ser263Pro) have been determined to be pathogenic (PMID: 11159947, 22538409). This suggests that this is a clinically significant region of the protein, and that variants that disrupt it are likely to be disease-causing. For these reasons, this variant has been classified as Pathogenic.

Literature cited by the submitters: PubMed 11159947 (cited by Labcorp Genetics (formerly Invitae), Labcorp); PubMed 22538409 (cited by Labcorp Genetics (formerly Invitae), Labcorp).